The following is an entry in ClinVar:

ClinVar aggregate classification (germline): Uncertain significance (1 of 4 stars; one submission).

Conditions:
Inborn genetic diseases. Identifiers: MedGen C0950123, MeSH D030342.

Submission:

Ambry Genetics
Classification: Uncertain significance for Inborn genetic diseases. Last evaluated: 2025-05-16. Review status: criteria provided, single submitter. Criteria: Ambry Variant Classification Scheme 2023. Collection method: clinical testing. Allele origin: germline.
Comment: The p.K1389I variant (also known as c.4166A>T), located in coding exon 29 of the ANKRD26 gene, results from an A to T substitution at nucleotide position 4166. The lysine at codon 1389 is replaced by isoleucine, an amino acid with dissimilar properties. This amino acid position is conserved. In addition, the in silico prediction for this alteration is inconclusive. Based on the available evidence, the clinical significance of this variant remains unclear.

NM_014915.3(ANKRD26):c.4166A>T (p.Lys1389Ile)

Gene: ANKRD26 (ankyrin repeat domain containing 26; minus strand). Cytogenetic location: 10p12.1.
Variant type: single nucleotide variant.
Coding change: c.4166A>T on transcript NM_014915.3 (MANE Select); coding-DNA position 4166, A replaced by T.
Protein change: p.Lys1389Ile; replaces lysine 1389 with isoleucine.
Molecular consequence: missense variant.
Genome position (GRCh38, 1-based): chr10:27,022,607, T>A on the plus strand (A>T on the coding strand, the complement: ANKRD26 is on the minus strand). VCF-style: chr10-27022607-T-A. GRCh37 (hg19) VCF-style: chr10-27311536-T-A.
Other names: c.4163A>T, p.Lys1388Ile (NM_001256053.2); short protein forms K1388I, K1389I.
Identifiers: ClinVar variation 3914440 (VCV003914440.1).
Genomic context (GRCh38, chr10:27,022,607, plus strand): 5'-TTAAAAATTACCTTATGTTTTAGCTTATTAATCTGAATATCCATTTCAAATTGACTAGTT[T>A]TTAAATCTCCATGGAAACTAAATTCTCCATTTTCATATTCATTTAACTTCTTTCTTGTCA-3'
Protein context (NP_055730.2, residues 1379-1399): NGEFSFHGDL[Lys1389Ile]TSQFEMDIQI